The following is an entry in ClinVar:

ClinVar aggregate classification (germline): not provided (0 of 4 stars; one submission).

Conditions:
Gestational diabetes mellitus uncontrolled. Identifiers: MedGen C3532257.

Submission:

Institute of Molecular and Cell Biology, University of Tartu
No classification provided. Condition: Gestational diabetes mellitus uncontrolled. Review status: no classification provided. Collection method: case-control. Allele origin: unknown. Affected: yes. Study: Kasak2014.
Comment: The study aimed to determine the contribution of copy number variants in the genetic etiology of normal and complicated pregnancies. The samples represented (i) maternal blood DNA drawn from healthy pregnant women during 1st or 2nd trimester and (ii) maternal and paternal blood DNA drawn at term pregnancy cases representing normal and complicated gestations (severe preeclampsia, PE; gestational diabetes, GD; small-for-gestational age newborn, SGA; large-for-gestational age newborn, LGA). We performed CNV calling based on genome-wide genotyping dataset (Illumina HumanOmniExpress-24-v1 BeadChip) by applying three algorithms, QuantiSNP, GADA (Genome Alteration Detection Algorithm) and CNstream in parallel. The acquired CNV calls were merged with HD-CNV (Hotspot Detector for Copy Number Variants) program and only the CNVs predicted by at least two programs, were considered in subsequent analysis.

Literature cited by the submitters: PubMed 25666259.

NC_000015.10:g.61395441_61400319del

Variant type: Deletion.
Genome position: GRCh38: chr15:61,395,441-61,400,319. GRCh37 (hg19): chr15:61,687,640-61,692,518.
Identifiers: ClinVar variation 157349 (VCV000157349.3), ClinGen allele CA212410.